The following is an entry in ClinVar:

ClinVar aggregate classification (germline): Conflicting classifications of pathogenicity. Review status: criteria provided, conflicting classifications (1 of 4 stars). 2 submissions from 2 submitters: Uncertain significance (1); Likely benign (1). Last evaluated 2025-11-07.

Conditions:
Inborn genetic diseases. Identifiers: MedGen C0950123, MeSH D030342.

Allele frequency attached by ClinVar (database versions not stated): TOPMed 0.00002; ExAC 0.00003; gnomAD 0.00003; gnomAD exomes 0.00003; 1000 Genomes Project 30x 0.00016; 1000 Genomes Project 0.00020.

Submissions (2):

Ambry Genetics
Classification: Likely benign for Inborn genetic diseases. Last evaluated: 2025-11-07. Review status: criteria provided, single submitter. Criteria: Ambry Variant Classification Scheme 2023. Collection method: clinical testing. Allele origin: germline.

CeGaT Center for Human Genetics Tuebingen
Classification: Uncertain significance. Last evaluated: 2023-01-01. Review status: criteria provided, single submitter. Criteria: CeGaT Center For Human Genetics Tuebingen Variant Classification Criteria Version 2. Collection method: clinical testing. Allele origin: germline. Affected: yes. Observed: 1 variant allele.
Comment: CHD3: PP3

NM_001005273.3(CHD3):c.202C>T (p.Arg68Cys)

Gene: CHD3 (chromodomain helicase DNA binding protein 3; plus strand). Cytogenetic location: 17p13.1.
Variant type: single nucleotide variant.
Coding change: c.202C>T on transcript NM_001005273.3 (MANE Select); coding-DNA position 202, C replaced by T.
Protein change: p.Arg68Cys; replaces arginine 68 with cysteine.
Molecular consequence: missense variant.
Genome position (GRCh38, 1-based): chr17:7,889,765, C>T. VCF-style: chr17-7889765-C-T. GRCh37 (hg19) VCF-style: chr17-7793083-C-T.
Other names: c.379C>T, p.Arg127Cys (NM_001005271.3); c.202C>T, p.Arg68Cys (NM_005852.4); c.379C>T (NM_001005271.2); short protein forms R127C, R68C.
Identifiers: ClinVar variation 2647422 (VCV002647422.24), dbSNP rs550038952, ClinGen allele CA8362298.
Genomic context (GRCh38, chr17:7,889,765, plus strand): 5'-AAGAAGAGAAAACGAGGACCCAAGAAGCAGAAGGAGAACAAGCCAGGAAAACCCCGAAAA[C>T]GCAAGAAGCGTGTAAGTGTCAAGAATTCCTAACTCTGTGGCAAGGCTCAAGAGACCCATT-3'
Protein context (NP_001005273.1, residues 58-78): KENKPGKPRK[Arg68Cys]KKRDSEEEFG